The following is an entry in ClinVar:

ClinVar aggregate classification (germline): Uncertain significance (1 of 4 stars; one submission).

Submission:

Labcorp Genetics (formerly Invitae), Labcorp
Classification: Uncertain significance. Last evaluated: 2024-11-15. Review status: criteria provided, single submitter. Criteria: Invitae Variant Classification Sherloc (09022015). Collection method: clinical testing. Allele origin: germline.
Comment: This sequence change replaces alanine, which is neutral and non-polar, with threonine, which is neutral and polar, at codon 2704 of the HMCN1 protein (p.Ala2704Thr). This variant is not present in population databases (gnomAD no frequency). This variant has not been reported in the literature in individuals affected with HMCN1-related conditions. An algorithm developed to predict the effect of missense changes on protein structure and function (PolyPhen-2) suggests that this variant is likely to be disruptive. In summary, the available evidence is currently insufficient to determine the role of this variant in disease. Therefore, it has been classified as a Variant of Uncertain Significance.

NM_031935.3(HMCN1):c.8110G>A (p.Ala2704Thr)

Gene: HMCN1 (hemicentin 1; plus strand). Cytogenetic location: 1q31.1.
Variant type: single nucleotide variant.
Coding change: c.8110G>A on transcript NM_031935.3 (MANE Select); coding-DNA position 8110, G replaced by A.
Protein change: p.Ala2704Thr; replaces alanine 2704 with threonine.
Molecular consequence: missense variant.
Genome position (GRCh38, 1-based): chr1:186,070,728, G>A. VCF-style: chr1-186070728-G-A. GRCh37 (hg19) VCF-style: chr1-186039860-G-A.
Other names: short protein forms A2704T.
Identifiers: ClinVar variation 3725332 (VCV003725332.2).